The following is an entry in ClinVar:

NM_001267550.2(TTN):c.76738A>G (p.Thr25580Ala)

Genes: TTN (titin; minus strand), TTN-AS1 (TTN antisense RNA 1; plus strand). Cytogenetic location: 2q31.2.
Variant type: single nucleotide variant.
Coding change: c.76738A>G on transcript NM_001267550.2 (MANE Select); coding-DNA position 76738, A replaced by G.
Protein change: p.Thr25580Ala; replaces threonine 25580 with alanine.
Molecular consequence: missense variant.
Genome position (GRCh38, 1-based): chr2:178,569,394, T>C on the plus strand (A>G on the coding strand, the complement: TTN is on the minus strand). VCF-style: chr2-178569394-T-C. GRCh37 (hg19) VCF-style: chr2-179434121-T-C.
Other names: c.71815A>G, p.Thr23939Ala (NM_001256850.1); c.49543A>G, p.Thr16515Ala (NM_003319.4); c.69034A>G, p.Thr23012Ala (NM_133378.4); c.49918A>G, p.Thr16640Ala (NM_133432.3); c.50119A>G, p.Thr16707Ala (NM_133437.4); short protein forms T16515A, T16640A, T16707A, T23012A, T23939A, T25580A.
Identifiers: ClinVar variation 1223841 (VCV001223841.5), dbSNP rs371711135, ClinGen allele CA1989865.

ClinVar aggregate classification (germline): Conflicting classifications of pathogenicity. Review status: criteria provided, conflicting classifications (1 of 4 stars). 2 submissions from 2 submitters: Uncertain significance (1); Likely benign (1). Last evaluated 2020-12-15.

Conditions:
Cardiovascular phenotype. Identifiers: MedGen CN230736.

Allele frequency attached by ClinVar (database versions not stated): gnomAD exomes 0.00001; ExAC 0.00002; ESP Exome Variant Server 0.00008; gnomAD 0.00009 and 0.00010; TOPMed 0.00012.
gnomAD v4.1: 27 of 1,613,292 alleles (0.0017%); highest among the groups gnomAD compares: African/African-American, 0.02%; no homozygotes.

Submissions (2):

GeneDx
Classification: Likely benign. Last evaluated: 2020-12-15. Review status: criteria provided, single submitter. Criteria: GeneDx Variant Classification Process June 2021. Collection method: clinical testing. Allele origin: germline. Affected: yes.

Ambry Genetics
Classification: Uncertain significance for Cardiovascular phenotype. Last evaluated: 2018-10-31. Review status: criteria provided, single submitter. Criteria: Ambry Variant Classification Scheme 2023. Collection method: clinical testing. Allele origin: germline.
Comment: The p.T16515A variant (also known as c.49543A>G), located in coding exon 153 of the TTN gene, results from an A to G substitution at nucleotide position 49543. The threonine at codon 16515 is replaced by alanine, an amino acid with similar properties. This amino acid position is highly conserved in available vertebrate species. In addition, this alteration is predicted to be tolerated by in silico analysis. Since supporting evidence is limited at this time, the clinical significance of this alteration remains unclear.